The following is an entry in ClinVar:

ClinVar aggregate classification (germline): Pathogenic. Review status: criteria provided, multiple submitters, no conflicts (2 of 4 stars). 2 submissions from 2 submitters: Pathogenic (2). Last evaluated 2021-11-04.

Conditions:
ADNP-related multiple congenital anomalies - intellectual disability - autism spectrum disorder. Also called: Helsmoortel-Van der Aa Syndrome; ADNP-Related Helsmoortel-Van der Aa Syndrome. Identifiers: Orphanet 404448, MedGen C4014538, MONDO:0014379, OMIM 615873. Disease mechanism: loss of function.

Submissions (2):

Greenwood Genetic Center Diagnostic Laboratories, Greenwood Genetic Center
Classification: Pathogenic for ADNP-related multiple congenital anomalies - intellectual disability - autism spectrum disorder. Last evaluated: 2021-11-04. Review status: criteria provided, single submitter. Criteria: ACMG Guidelines, 2015. Collection method: clinical testing. Allele origin: germline. Affected: yes.
Comment: PVS1, PS2, PM2

Laboratory of Medical Genetics, University of Torino
Classification: Pathogenic for ADNP-related multiple congenital anomalies - intellectual disability - autism spectrum disorder. Review status: criteria provided, single submitter. Criteria: ACMG Guidelines, 2015. Collection method: clinical testing. Allele origin: unknown. Affected: yes.

NM_001282531.3(ADNP):c.2454C>G (p.Tyr818Ter)

Gene: ADNP (activity dependent neuroprotector homeobox; minus strand). Cytogenetic location: 20q13.13.
Variant type: single nucleotide variant.
Coding change: c.2454C>G on transcript NM_001282531.3 (MANE Select); coding-DNA position 2454, C replaced by G.
Protein change: p.Tyr818Ter; replaces tyrosine 818 with a stop codon.
Molecular consequence: nonsense.
Genome position (GRCh38, 1-based): chr20:50,892,260, G>C on the plus strand (C>G on the coding strand, the complement: ADNP is on the minus strand). VCF-style: chr20-50892260-G-C. GRCh37 (hg19) VCF-style: chr20-49508797-G-C.
Other names: c.2454C>G, p.Tyr818Ter (NM_001282532.2, NM_001347511.2, NM_015339.5 and 1 more transcripts); short protein forms Y818*.
Identifiers: ClinVar variation 1334645 (VCV001334645.5), dbSNP rs2122743080, ClinGen allele CA408969425.